The following is an entry in ClinVar:

ClinVar aggregate classification (germline): Uncertain significance (1 of 4 stars; one submission).

Submission:

GeneDx
Classification: Uncertain significance. Last evaluated: 2022-07-27. Review status: criteria provided, single submitter. Criteria: GeneDx Variant Classification Process June 2021. Collection method: clinical testing. Allele origin: germline. Affected: yes.
Comment: Not observed at significant frequency in large population cohorts (gnomAD); In silico analysis supports that this missense variant has a deleterious effect on protein structure/function; Has not been previously published as pathogenic or benign to our knowledge

NM_001037333.3(CYFIP2):c.3323G>T (p.Trp1108Leu)

Genes: CYFIP2 (cytoplasmic FMR1 interacting protein 2; plus strand), NIPAL4-DT (NIPAL4 divergent transcript; minus strand). Cytogenetic location: 5q33.3.
Variant type: single nucleotide variant.
Coding change: c.3323G>T on transcript NM_001037333.3 (MANE Select); coding-DNA position 3323, G replaced by T.
Protein change: p.Trp1108Leu; replaces tryptophan 1108 with leucine.
Molecular consequence: missense variant.
Genome position (GRCh38, 1-based): chr5:157,389,304, G>T. VCF-style: chr5-157389304-G-T. GRCh37 (hg19) VCF-style: chr5-156816312-G-T.
Other names: c.3245G>T, p.Trp1082Leu (NM_001291721.2); c.3398G>T, p.Trp1133Leu (NM_001291722.2); c.3323G>T, p.Trp1108Leu (NM_014376.4); short protein forms W1082L, W1108L, W1133L.
Identifiers: ClinVar variation 2413028 (VCV002413028.3), dbSNP rs2532734379, ClinGen allele CA361982144.